The following is an entry in ClinVar:

ClinVar aggregate classification (germline): Pathogenic (1 of 4 stars; one submission).

Conditions:
Developmental and epileptic encephalopathy, 54. Also called: Epileptic encephalopathy, early infantile, 54; HNRNPU-Related Neurodevelopmental Disorder. Identifiers: MedGen C4479319, MONDO:0033363, OMIM 617391.

Submission:

Labcorp Genetics (formerly Invitae), Labcorp
Classification: Pathogenic for Developmental and epileptic encephalopathy, 54. Last evaluated: 2024-03-10. Review status: criteria provided, single submitter. Criteria: Invitae Variant Classification Sherloc (09022015). Collection method: clinical testing. Allele origin: germline.
Comment: This sequence change creates a premature translational stop signal (p.Ser315Argfs*25) in the HNRNPU gene. It is expected to result in an absent or disrupted protein product. Loss-of-function variants in HNRNPU are known to be pathogenic (PMID: 22678713, 28283832). This variant is not present in population databases (gnomAD no frequency). This variant has not been reported in the literature in individuals affected with HNRNPU-related conditions. For these reasons, this variant has been classified as Pathogenic.

Literature cited by the submitters: PubMed 22678713; PubMed 28283832.

NM_031844.3(HNRNPU):c.943_944dup (p.Ser315fs)

Gene: HNRNPU (heterogeneous nuclear ribonucleoprotein U; minus strand). Cytogenetic location: 1q44.
Variant type: Microsatellite.
Coding change: c.943_944dup on transcript NM_031844.3 (MANE Select); coding-DNA positions 943 to 944, 2 bases duplicated (AG; older notation c.943_944dupAG).
Protein change: p.Ser315fs; shifts the reading frame from serine 315.
Molecular consequence: frameshift variant.
Genome position (GRCh38, 1-based): chr1:244,860,408-244,860,409, CT duplicated on the plus strand (AG on the coding strand, the reverse complement: HNRNPU is on the minus strand); duplicating any 2 consecutive bases within chr1:244,860,408-244,860,412 gives the same sequence; the c. name uses the placement nearest the transcript's 3' end. VCF-style (leftmost placement, unchanged base first): chr1-244860407-A-ACT. GRCh37 (hg19) VCF-style: chr1-245023709-A-ACT.
Other names: c.886_887dup, p.Ser296fs (NM_004501.3); short protein forms S315fs, S296fs.
Identifiers: ClinVar variation 3645276 (VCV003645276.2).
Genomic context (GRCh38, chr1:244,860,407, plus strand): 5'-ACACACTTTGCCTTTTGACACACCATAGGATGCTCTTCCTCCAGCCCAAAGAAAAGCAAA[A>ACT]CTCTCCATTGTAAGGGAAGAAGCACTGAGACGATCTCTTGATATTTTAAAATGTAGATCA-3'